The following is an entry in ClinVar:

ClinVar aggregate classification (germline): Uncertain significance (0 of 4 stars; one submission).

Conditions:
EXOC6B-related disorder. Also called: EXOC6B-related condition.

Submission:

PreventionGenetics, part of Exact Sciences
Classification: Uncertain significance for EXOC6B-related condition. Last evaluated: 2023-12-28. Review status: no assertion criteria provided. Collection method: clinical testing. Allele origin: germline.
Comment: The EXOC6B c.2225G>T variant is predicted to result in the amino acid substitution p.Trp742Leu. To our knowledge, this variant has not been reported in the literature or in a large population database, indicating this variant is rare. At this time, the clinical significance of this variant is uncertain due to the absence of conclusive functional and genetic evidence.

NM_015189.3(EXOC6B):c.2225G>T (p.Trp742Leu)

Gene: EXOC6B (exocyst complex component 6B; minus strand). Cytogenetic location: 2p13.2.
Variant type: single nucleotide variant.
Coding change: c.2225G>T on transcript NM_015189.3 (MANE Select); coding-DNA position 2225, G replaced by T.
Protein change: p.Trp742Leu; replaces tryptophan 742 with leucine.
Molecular consequence: missense variant. On other transcripts: non-coding transcript variant (2).
Genome position (GRCh38, 1-based): chr2:72,184,159, C>A on the plus strand (G>T on the coding strand, the complement: EXOC6B is on the minus strand). VCF-style: chr2-72184159-C-A. GRCh37 (hg19) VCF-style: chr2-72411288-C-A.
Other names: c.2225G>T, p.Trp742Leu (NM_001321729.2, NM_001321731.2); c.2090G>T, p.Trp697Leu (NM_001321730.2, NM_001321733.2); c.1886G>T, p.Trp629Leu (NM_001321734.2); short protein forms W629L, W697L, W742L.
Identifiers: ClinVar variation 3029355 (VCV003029355.2), dbSNP rs2466380633, ClinGen allele CA347224746.
Genomic context (GRCh38, chr2:72,184,159, plus strand): 5'-ACTGGGTTTACCCGGAGGTACTTGCAGTTGGGCTGACCATAGTCAGCAAGGTAGGTTGAC[C>A]AATCCCACTGGATGAAAAGATCCAAAAGCTGTAAAATATCCAAACCCCACCCCAGGGATT-3'
Protein context (NP_056004.1, residues 732-752): QLLDLFIQWD[Trp742Leu]STYLADYGQP